The following is an entry in ClinVar:

ClinVar aggregate classification (germline): Uncertain significance (1 of 4 stars; one submission).

Conditions:
Autosomal dominant childhood-onset proximal spinal muscular atrophy with contractures (SMALED2A). Also called: SPINAL MUSCULAR ATROPHY, LOWER EXTREMITY-PREDOMINANT, 2A, CHILDHOOD ONSET, AUTOSOMAL DOMINANT; Spinal muscular atrophy, lower extremity-predominant, 2A, autosomal dominant. Identifiers: Orphanet 363447, Orphanet 363454, MedGen C4747715, MONDO:0014121, OMIM 615290.

Submission:

Labcorp Genetics (formerly Invitae), Labcorp
Classification: Uncertain significance for Autosomal dominant childhood-onset proximal spinal muscular atrophy with contractures. Last evaluated: 2021-10-14. Review status: criteria provided, single submitter. Criteria: Invitae Variant Classification Sherloc (09022015). Collection method: clinical testing. Allele origin: germline.
Comment: This sequence change replaces lysine with threonine at codon 484 of the BICD2 protein (p.Lys484Thr). The lysine residue is highly conserved and there is a moderate physicochemical difference between lysine and threonine. In summary, the available evidence is currently insufficient to determine the role of this variant in disease. Therefore, it has been classified as a Variant of Uncertain Significance. This variant has not been reported in the literature in individuals affected with BICD2-related conditions. This variant is not present in population databases (ExAC no frequency). Advanced modeling of protein sequence and biophysical properties (such as structural, functional, and spatial information, amino acid conservation, physicochemical variation, residue mobility, and thermodynamic stability) performed at Invitae indicates that this missense variant is not expected to disrupt BICD2 protein function.

NM_001003800.2(BICD2):c.1451A>C (p.Lys484Thr)

Gene: BICD2 (BICD cargo adaptor 2; minus strand). Cytogenetic location: 9q22.31.
Variant type: single nucleotide variant.
Coding change: c.1451A>C on transcript NM_001003800.2 (MANE Select); coding-DNA position 1451, A replaced by C.
Protein change: p.Lys484Thr; replaces lysine 484 with threonine.
Molecular consequence: missense variant.
Genome position (GRCh38, 1-based): chr9:92,719,194, T>G on the plus strand (A>C on the coding strand, the complement: BICD2 is on the minus strand). VCF-style: chr9-92719194-T-G. GRCh37 (hg19) VCF-style: chr9-95481476-T-G.
Other names: c.1451A>C, p.Lys484Thr (NM_015250.4); short protein forms K484T.
Identifiers: ClinVar variation 1481756 (VCV001481756.6), dbSNP rs2131500709, ClinGen allele CA374038006.
Genomic context (GRCh38, chr9:92,719,194, plus strand): 5'-TTCTCCAGCCGGGCCAGCAGCTCGCGGTCCTGGCGGCTGGCCTTCTCTAGCAGGGAGACC[T>G]TCTCCGTGAGTGCCTGGCCCTCAGCCTCATAGCGGCCCTTCTCCTCGGCGTGCTGGGCCT-3'
Protein context (NP_001003800.1, residues 474-494): YEAEGQALTE[Lys484Thr]VSLLEKASRQ